The following is an entry in ClinVar:

ClinVar aggregate classification (germline): Uncertain significance (1 of 4 stars; one submission).

Submission:

Labcorp Genetics (formerly Invitae), Labcorp
Classification: Uncertain significance. Last evaluated: 2023-09-26. Review status: criteria provided, single submitter. Criteria: Invitae Variant Classification Sherloc (09022015). Collection method: clinical testing. Allele origin: germline.
Comment: Advanced modeling of protein sequence and biophysical properties (such as structural, functional, and spatial information, amino acid conservation, physicochemical variation, residue mobility, and thermodynamic stability) performed at Invitae indicates that this missense variant is not expected to disrupt POLE protein function. This variant has not been reported in the literature in individuals affected with POLE-related conditions. This variant is not present in population databases (gnomAD no frequency). This sequence change replaces phenylalanine, which is neutral and non-polar, with serine, which is neutral and polar, at codon 119 of the POLE protein (p.Phe119Ser). In summary, the available evidence is currently insufficient to determine the role of this variant in disease. Therefore, it has been classified as a Variant of Uncertain Significance. Algorithms developed to predict the effect of sequence changes on RNA splicing suggest that this variant may disrupt the consensus splice site.

NM_006231.4(POLE):c.356T>C (p.Phe119Ser)

Gene: POLE (DNA polymerase epsilon, catalytic subunit; minus strand). Cytogenetic location: 12q24.33.
Variant type: single nucleotide variant.
Coding change: c.356T>C on transcript NM_006231.4 (MANE Select); coding-DNA position 356, T replaced by C.
Protein change: p.Phe119Ser; replaces phenylalanine 119 with serine.
Molecular consequence: missense variant.
Genome position (GRCh38, 1-based): chr12:132,680,021, A>G on the plus strand (T>C on the coding strand, the complement: POLE is on the minus strand). VCF-style: chr12-132680021-A-G. GRCh37 (hg19) VCF-style: chr12-133256607-A-G.
Other names: short protein forms F119S.
Identifiers: ClinVar variation 2763350 (VCV002763350.3), dbSNP rs2542190669, ClinGen allele CA387368234.
Genomic context (GRCh38, chr12:132,680,021, plus strand): 5'-AGATCCTCTTTGGGGACAGTCTCCACTTTTGCAATTTTGCCCTGAAACTTCTTGGAGAGA[A>G]AAGATGAAACTTCTCGCTCACAACCCTAATCAGGATCAGAATGAAAAGGCTTTCCATTGG-3'
Protein context (NP_006222.2, residues 109-129): RKGCEREVSS[Phe119Ser]LSKKFQGKIA